The following is an entry in ClinVar:

NM_003269.5(NR2E1):c.12A>G (p.Pro4=)

Gene: NR2E1 (nuclear receptor subfamily 2 group E member 1; plus strand). Cytogenetic location: 6q21.
Variant type: single nucleotide variant.
Coding change: c.12A>G on transcript NM_003269.5 (MANE Select); coding-DNA position 12, A replaced by G.
Protein change: p.Pro4=; no amino-acid change (proline 4 retained).
Molecular consequence: synonymous variant.
Genome position (GRCh38, 1-based): chr6:108,166,777, A>G. VCF-style: chr6-108166777-A-G. GRCh37 (hg19) VCF-style: chr6-108487981-A-G.
Identifiers: ClinVar variation 3044705 (VCV003044705.2), dbSNP rs774639070, ClinGen allele CA3948165.
Genomic context (GRCh38, chr6:108,166,777, plus strand): 5'-CCGGGACTCGGGCAGCGCCCACCAACCGCTCCGCCCCGGGACAGCCAGCATGAGCAAGCC[A>G]GCCGGATCAACAAGTGGGTACCTCTCGGGCCGCCGTGGGGCCTAGGCGCGCAGCCTGGGG-3'
Protein context (NP_003260.1, residues 1-14): MSK[Pro4=]AGSTSRILDI

ClinVar aggregate classification (germline): Likely benign (0 of 4 stars; one submission).

Conditions:
NR2E1-related disorder. Also called: NR2E1-related condition.

Allele frequency attached by ClinVar (database versions not stated): gnomAD exomes 0.00003; gnomAD 0.00005; TOPMed 0.00006; ExAC 0.00033.
gnomAD v4.1: 56 of 1,590,996 alleles (0.0035%); highest among the groups gnomAD compares: Non-Finnish European, 0.0045%; no homozygotes.

Submission:

PreventionGenetics, part of Exact Sciences
Classification: Likely benign for NR2E1-related condition. Last evaluated: 2019-06-06. Review status: no assertion criteria provided. Collection method: clinical testing. Allele origin: germline.
Comment: This variant is classified as likely benign based on ACMG/AMP sequence variant interpretation guidelines (Richards et al. 2015 PMID: 25741868, with internal and published modifications).